The following is an entry in ClinVar:

NM_005422.4(TECTA):c.1841G>A (p.Cys614Tyr)

Genes: TBCEL-TECTA (TBCEL-TECTA readthrough; plus strand), TECTA (tectorin alpha; plus strand). Cytogenetic location: 11q23.3.
Variant type: single nucleotide variant.
Coding change: c.1841G>A on transcript NM_005422.4 (MANE Select); coding-DNA position 1841, G replaced by A.
Protein change: p.Cys614Tyr; replaces cysteine 614 with tyrosine.
Molecular consequence: missense variant.
Genome position (GRCh38, 1-based): chr11:121,127,818, G>A. VCF-style: chr11-121127818-G-A. GRCh37 (hg19) VCF-style: chr11-120998527-G-A.
Other names: c.2798G>A, p.Cys933Tyr (NM_001378761.1); short protein forms C614Y, C933Y.
Identifiers: ClinVar variation 4529889 (VCV004529889.1).

ClinVar aggregate classification (germline): Uncertain significance (1 of 4 stars; one submission).

Submission:

GeneDx
Classification: Uncertain significance. Last evaluated: 2025-05-14. Review status: criteria provided, single submitter. Criteria: GeneDx Variant Classification Process June 2021. Collection method: clinical testing. Allele origin: germline. Affected: yes.
Comment: Not observed at significant frequency in large population cohorts (gnomAD); In silico analysis supports that this missense variant has a deleterious effect on protein structure/function; Has not been previously published as pathogenic or benign to our knowledge; This variant is associated with the following publications: (PMID: 21520338, 31554319, 9590290)